The following is an entry in ClinVar:

ClinVar aggregate classification (germline): Uncertain significance (1 of 4 stars; one submission).

Conditions:
Hereditary nonpolyposis colorectal neoplasms. Identifiers: MedGen C0009405, MeSH D003123.

Submission:

Labcorp Genetics (formerly Invitae), Labcorp
Classification: Uncertain significance for Hereditary nonpolyposis colorectal neoplasms. Last evaluated: 2025-04-07. Review status: criteria provided, single submitter. Criteria: Invitae Variant Classification Sherloc (09022015). Collection method: clinical testing. Allele origin: germline.
Comment: This variant, c.663_664insTCA, results in the insertion of 1 amino acid(s) of the MSH6 protein (p.Glu221_Asp222insSer), but otherwise preserves the integrity of the reading frame. This variant is not present in population databases (gnomAD no frequency). This variant has not been reported in the literature in individuals affected with MSH6-related conditions. ClinVar contains an entry for this variant (Variation ID: 2036905). In summary, the available evidence is currently insufficient to determine the role of this variant in disease. Therefore, it has been classified as a Variant of Uncertain Significance.

NM_000179.3(MSH6):c.663_664insTCA (p.Glu221_Asp222insSer)

Gene: MSH6 (mutS homolog 6; plus strand). Cytogenetic location: 2p16.3.
Variant type: Insertion.
Coding change: c.663_664insTCA on transcript NM_000179.3 (MANE Select); coding-DNA positions 663 to 664, TCA inserted.
Protein change: p.Glu221_Asp222insSer.
Molecular consequence: inframe insertion. On other transcripts: 5 prime UTR variant (2), inframe indel (28).
Genome position: GRCh38 VCF-style: chr2-47798645-A-AATC. GRCh37 (hg19) VCF-style: chr2-48025784-A-AATC.
Other names: c.273_274insTCA, p.Glu91_Asp92insSer (NM_001281492.2); c.-244_-243insTCA (NM_001281493.2, NM_001281494.2, NM_001406811.1 and 6 more transcripts); c.759_760insTCA, p.Glu253_Asp254insSer (NM_001406795.1, NM_001406802.1); c.663_664insTCA, p.Glu221_Asp222insSer (NM_001406796.1, NM_001406798.1, NM_001406800.1 and 4 more transcripts); c.366_367insTCA, p.Glu122_Asp123insSer (NM_001406797.1, NM_001406801.1, NM_001406805.1 and 10 more transcripts); c.138_139insTCA, p.Glu46_Asp47insSer (NM_001406799.1, NM_001406806.1, NM_001406807.1); c.585_586insTCA, p.Glu195_Asp196insSer (NM_001406804.1); c.669_670insTCA, p.Glu223_Asp224insSer (NM_001406813.1); and 1 more.
Identifiers: ClinVar variation 2036905 (VCV002036905.4), dbSNP rs2530564408, ClinGen allele CA2580067203.